The following is an entry in ClinVar:

NM_001370298.3(FGD4):c.2173-257C>T

Gene: FGD4 (FYVE, RhoGEF and PH domain containing 4; plus strand). Cytogenetic location: 12p11.21.
Variant type: single nucleotide variant.
Coding change: c.2173-257C>T on transcript NM_001370298.3 (MANE Select); 257 bases into the intron before coding-DNA position 2173, C replaced by T.
Molecular consequence: intron variant.
Genome position (GRCh38, 1-based): chr12:32,633,292, C>T. VCF-style: chr12-32633292-C-T. GRCh37 (hg19) VCF-style: chr12-32786226-C-T.
Other names: c.2173-257C>T (NM_001384126.1); c.2017-257C>T (NM_001304481.2); c.1483-257C>T (NM_001330374.2, NM_001330373.2, NM_001384130.1); c.1762-257C>T (NM_139241.3, NM_001384127.1, NM_001385118.1 and 1 more transcripts); c.730-257C>T (NM_001304484.2); c.1210-257C>T (NM_001370297.1); c.1018-257C>T (NM_001304483.2).
Identifiers: ClinVar variation 668143 (VCV000668143.1), dbSNP rs11831099, ClinGen allele CA15735722.

ClinVar aggregate classification (germline): Benign (1 of 4 stars; one submission).

Allele frequency attached by ClinVar (database versions not stated): 1000 Genomes Project 0.25319; 1000 Genomes Project 30x 0.25390; gnomAD 0.26020 and 0.26308; TOPMed 0.26263.
gnomAD v4.1: 40,218 of 151,826 alleles (26%); highest among the groups gnomAD compares: South Asian, 41%; 5,637 homozygotes.

Submission:

GeneDx
Classification: Benign. Last evaluated: 2018-06-19. Review status: criteria provided, single submitter. Criteria: GeneDx Variant Classification (06012015). Collection method: clinical testing. Allele origin: germline. Affected: yes.
Comment: This variant is considered likely benign or benign based on one or more of the following criteria: it is a conservative change, it occurs at a poorly conserved position in the protein, it is predicted to be benign by multiple in silico algorithms, and/or has population frequency not consistent with disease.